The following is an entry in ClinVar:

NM_182931.3(KMT2E):c.1224G>A (p.Arg408=)

Gene: KMT2E (lysine methyltransferase 2E (inactive); plus strand). Cytogenetic location: 7q22.3.
Variant type: single nucleotide variant.
Coding change: c.1224G>A on transcript NM_182931.3 (MANE Select); coding-DNA position 1224, G replaced by A.
Protein change: p.Arg408=; no amino-acid change (arginine 408 retained).
Molecular consequence: synonymous variant.
Genome position (GRCh38, 1-based): chr7:105,078,939, G>A. VCF-style: chr7-105078939-G-A. GRCh37 (hg19) VCF-style: chr7-104719386-G-A.
Other names: c.1224G>A, p.Arg408= (NM_001410908.1, NM_018682.4).
Identifiers: ClinVar variation 3058229 (VCV003058229.2), dbSNP rs1255063775, ClinGen allele CA457034471.

ClinVar aggregate classification (germline): Likely benign (0 of 4 stars; one submission).

Conditions:
KMT2E-related disorder. Also called: KMT2E-related condition.

Allele frequency attached by ClinVar (database versions not stated): gnomAD exomes 0.00001.
gnomAD v4.1: 22 of 1,608,228 alleles (0.0014%); highest among the groups gnomAD compares: Admixed American, 0.0033%; no homozygotes.

Submission:

PreventionGenetics, part of Exact Sciences
Classification: Likely benign for KMT2E-related condition. Last evaluated: 2019-03-05. Review status: no assertion criteria provided. Collection method: clinical testing. Allele origin: germline.
Comment: This variant is classified as likely benign based on ACMG/AMP sequence variant interpretation guidelines (Richards et al. 2015 PMID: 25741868, with internal and published modifications).